The following is an entry in ClinVar:

ClinVar aggregate classification (germline): Uncertain significance (1 of 4 stars; one submission).

Conditions:
Hereditary nonpolyposis colorectal neoplasms. Identifiers: MedGen C0009405, MeSH D003123.

gnomAD v4.1: 1 of 1,614,092 alleles (0.000062%); highest among the groups gnomAD compares: Non-Finnish European, 0.000085%; no homozygotes.

Submission:

Labcorp Genetics (formerly Invitae), Labcorp
Classification: Uncertain significance for Hereditary nonpolyposis colorectal neoplasms. Last evaluated: 2021-04-26. Review status: criteria provided, single submitter. Criteria: Invitae Variant Classification Sherloc (09022015). Collection method: clinical testing. Allele origin: germline.
Comment: This variant has not been reported in the literature in individuals with PMS2-related conditions. This sequence change replaces glycine with cysteine at codon 497 of the PMS2 protein (p.Gly497Cys). The glycine residue is weakly conserved and there is a large physicochemical difference between glycine and cysteine. This variant is not present in population databases (ExAC no frequency). Advanced modeling of protein sequence and biophysical properties (such as structural, functional, and spatial information, amino acid conservation, physicochemical variation, residue mobility, and thermodynamic stability) performed at Invitae indicates that this missense variant is not expected to disrupt PMS2 protein function. In summary, the available evidence is currently insufficient to determine the role of this variant in disease. Therefore, it has been classified as a Variant of Uncertain Significance.

NM_000535.7(PMS2):c.1489G>T (p.Gly497Cys)

Gene: PMS2 (PMS1 homolog 2, mismatch repair system component; minus strand). Cytogenetic location: 7p22.1.
Variant type: single nucleotide variant.
Coding change: c.1489G>T on transcript NM_000535.7 (MANE Select); coding-DNA position 1489, G replaced by T.
Protein change: p.Gly497Cys; replaces glycine 497 with cysteine.
Molecular consequence: missense variant. On other transcripts: non-coding transcript variant (1).
Genome position (GRCh38, 1-based): chr7:5,987,276, C>A on the plus strand (G>T on the coding strand, the complement: PMS2 is on the minus strand). VCF-style: chr7-5987276-C-A. GRCh37 (hg19) VCF-style: chr7-6026907-C-A.
Other names: c.1084G>T, p.Gly362Cys (NM_001322003.2, NM_001322004.2, NM_001322005.2 and 1 more transcripts); c.1333G>T, p.Gly445Cys (NM_001322006.2); c.1171G>T, p.Gly391Cys (NM_001322007.2, NM_001322008.2); c.928G>T, p.Gly310Cys (NM_001322010.2); c.556G>T, p.Gly186Cys (NM_001322011.2, NM_001322012.2); c.916G>T, p.Gly306Cys (NM_001322013.2); c.1489G>T, p.Gly497Cys (NM_001322014.2); c.1180G>T, p.Gly394Cys (NM_001322015.2); short protein forms G362C, G310C, G186C, G306C, G391C, G394C, G445C, G497C.
Identifiers: ClinVar variation 1501206 (VCV001501206.8), dbSNP rs749826312, ClinGen allele CA366741799.